The following is an entry in ClinVar:

ClinVar aggregate classification (germline): Benign/Likely benign. Review status: criteria provided, multiple submitters, no conflicts (2 of 4 stars). 22 submissions from 22 submitters: Benign (7); Likely benign (12). 3 of the submissions do not count toward it. Last evaluated 2026-06-01.

Conditions:
Hepatocellular carcinoma (HCC). Also called: Primary carcinoma of liver; HEPATOMA; LIVER CELL CARCINOMA. Identifiers: Orphanet 88673, MedGen C2239176, MONDO:0007256, OMIM 114550, HP:0001402.
Familial adenomatous polyposis 1 (FAP1). Also called: FAMILIAL ADENOMATOUS POLYPOSIS 1, ATTENUATED; POLYPOSIS, ADENOMATOUS INTESTINAL. Identifiers: MedGen C2713442, MONDO:0021056, OMIM 175100. Disease mechanism: loss of function.
Colorectal cancer. Also called: Malignant Colorectal Neoplasm; Colorectal cancer, somatic. Identifiers: MedGen C0346629, MONDO:0005575, OMIM 114500.
Gastric cancer. Also called: Stomach cancer; Malignant tumor of stomach. Identifiers: MedGen C0024623, MeSH D013274, MONDO:0001056, OMIM 613659, HP:0012126.
Desmoid disease, hereditary (DESMD). Also called: FIBROMATOSIS, FAMILIAL INFILTRATIVE. Identifiers: Orphanet 873, MedGen C1851124, OMIM 135290. Disease mechanism: loss of function.
Gastric adenocarcinoma and proximal polyposis of the stomach (GAPPS). Also called: POLYPOSIS, GASTRIC; Polyposis, gastric, Dos Santos and de Magalhaes 1980; Gastric Adenocarcinoma and Proximal Polyposis of the Stomach (GAPPS). Identifiers: Orphanet 314022, MedGen C4749917, MONDO:0017790, OMIM 619182.
Classic or attenuated familial adenomatous polyposis. Identifiers: MedGen CN372698, MONDO:0021057.
Hereditary cancer-predisposing syndrome. Also called: Tumor predisposition; Hereditary neoplastic syndrome; Neoplastic Syndromes, Hereditary; Hereditary Cancer Syndrome. Identifiers: Orphanet 140162, MedGen C0027672, MeSH D009386, MONDO:0015356.
Familial multiple polyposis syndrome (FAP). Also called: Familial polyposis; Classic familial adenomatous polyposis; Familial adenomatous polyposis; Familial intestinal polyposis; Familial Adenomatous Polyposis (FAP). Identifiers: Orphanet 733, MedGen C0032580, MONDO:0021055. Disease mechanism: loss of function.
Carcinoma of colon (CRC). Also called: Colon carcinoma; Colonic carcinoma. Identifiers: MedGen C0699790, MONDO:0002032.

Allele frequency attached by ClinVar (database versions not stated): ESP Exome Variant Server 0.00015; 1000 Genomes Project 30x 0.00016; 1000 Genomes Project 0.00020; gnomAD 0.00026 and 0.00028; ExAC 0.00032; gnomAD exomes 0.00034 and 0.00036; TOPMed 0.00035.
gnomAD v4.1: 590 of 1,613,954 alleles (0.037%); highest among the groups gnomAD compares: Middle Eastern, 0.23%; 4 homozygotes.

Submissions 1 to 20 of 22:

CeGaT Center for Human Genetics Tuebingen
Classification: Likely benign. Last evaluated: 2026-06-01. Review status: criteria provided, single submitter. Criteria: CeGaT Center For Human Genetics Tuebingen Variant Classification Criteria Version 2. Collection method: clinical testing. Allele origin: germline. Affected: yes. Observed: 9 variant alleles.
Comment: APC: BS1

Labcorp Genetics (formerly Invitae), Labcorp
Classification: Benign for Familial adenomatous polyposis 1. Last evaluated: 2026-02-02. Review status: criteria provided, single submitter. Criteria: Invitae Variant Classification Sherloc (09022015). Collection method: clinical testing. Allele origin: germline.

Center for Genomic Medicine, Rigshospitalet, Copenhagen University Hospital
Classification: Benign. Last evaluated: 2025-03-04. Review status: criteria provided, single submitter. Criteria: ACMG Guidelines, 2015. Collection method: clinical testing. Allele origin: germline.

Institute for Biomarker Research, Medical Diagnostic Laboratories, L.L.C.
Classification: Benign for Hereditary cancer-predisposing syndrome. Last evaluated: 2025-01-27. Review status: criteria provided, single submitter. Criteria: ACMG Guidelines, 2015. Collection method: clinical testing. Allele origin: germline.
Comment: The missense variant NM_000038.6(APC):c.3511C>T (p.Arg1171Cys) has been reported to ClinVar as Benign/Likely benign with a status of (2 stars) criteria provided, multiple submitters, no conflicts (Variation ID 133518 as of 2025-01-02). The nucleotide c.3511 in APC is predicted conserved by GERP++ and PhyloP across 100 vertebrates. For these reasons, this variant has been classified as Benign

Blueprint Genetics
Classification: Likely benign. Last evaluated: 2024-10-29. Review status: criteria provided, single submitter. Criteria: ACMG Guidelines, 2015. Collection method: clinical testing. Allele origin: germline.

All of Us Research Program, National Institutes of Health
Classification: Likely benign for Classic or attenuated familial adenomatous polyposis. Last evaluated: 2024-09-23. Review status: criteria provided, single submitter. Criteria: ACMG Guidelines, 2015. Collection method: clinical testing. Allele origin: germline. Inheritance: Autosomal dominant inheritance. Observed: 142 variant alleles, 142 heterozygotes.
Comment: This study involves interpretation of variants in research participants for the purpose of population health screening. Participant phenotype was not available at the time of variant classification. Additional details can be found in publication PMID: 35346344, PMCID: PMC8962531

Myriad Genetics, Inc.
Classification: Likely benign for Familial adenomatous polyposis 1. Last evaluated: 2024-03-21. Review status: criteria provided, single submitter. Criteria: Myriad Autosomal Dominant, Autosomal Recessive and X-Linked Classification Criteria (2023). Collection method: clinical testing. Allele origin: unknown.
Comment: This variant is considered likely benign. This variant has been observed at a population frequency that is significantly greater than expected given the associated disease prevalence and penetrance.

KCCC/NGS Laboratory, Kuwait Cancer Control Center
Classification: Benign for Familial adenomatous polyposis 1. Last evaluated: 2023-07-07. Review status: criteria provided, single submitter. Criteria: ACMG Guidelines, 2015. Collection method: clinical testing. Allele origin: germline. Affected: yes.

Fulgent Genetics
Classification: Likely benign for Colorectal cancer; Hepatocellular carcinoma; Desmoid disease, hereditary; Familial adenomatous polyposis 1; Gastric cancer; Gastric adenocarcinoma and proximal polyposis of the stomach. Last evaluated: 2022-03-25. Review status: criteria provided, single submitter. Criteria: ACMG Guidelines, 2015. Collection method: clinical testing. Allele origin: unknown.

GeneDx
Classification: Likely benign. Last evaluated: 2021-02-02. Review status: criteria provided, single submitter. Criteria: GeneDx Variant Classification Process June 2021. Collection method: clinical testing. Allele origin: germline. Affected: yes.
Comment: This variant is associated with the following publications: (PMID: 23292937, 26976419, 24599579, 24728327, 25980754, 19642502, 9950360, 25981591, 24163242)

Sema4
Classification: Benign for Hereditary cancer-predisposing syndrome. Last evaluated: 2020-10-09. Review status: criteria provided, single submitter. Criteria: Sema4 Curation Guidelines. Collection method: curation. Allele origin: germline.

ARUP Laboratories, Molecular Genetics and Genomics, ARUP Laboratories
Classification: Likely benign. Last evaluated: 2018-09-22. Review status: criteria provided, single submitter. Criteria: ARUP Molecular Germline Variant Investigation Process. Collection method: clinical testing. Allele origin: germline.

Ambry Genetics
Classification: Likely benign for Hereditary cancer-predisposing syndrome. Last evaluated: 2018-07-19. Review status: criteria provided, single submitter. Criteria: Ambry Variant Classification Scheme 2023. Collection method: clinical testing. Allele origin: germline.

Mendelics
Classification: Likely benign for Familial adenomatous polyposis 1. Last evaluated: 2018-07-02. Review status: criteria provided, single submitter. Criteria: Mendelics Assertion Criteria 2017. Collection method: clinical testing. Allele origin: unknown.

Quest Diagnostics Nichols Institute San Juan Capistrano
Classification: Benign. Last evaluated: 2017-08-08. Review status: criteria provided, single submitter. Criteria: Quest Diagnostics criteria. Collection method: clinical testing. Allele origin: germline.

PreventionGenetics, part of Exact Sciences
Classification: Likely benign. Last evaluated: 2017-02-24. Review status: criteria provided, single submitter. Criteria: ACMG Guidelines, 2015. Collection method: clinical testing. Allele origin: germline.

Women's Health and Genetics/Laboratory Corporation of America, LabCorp
Classification: Likely benign. Last evaluated: 2016-12-16. Review status: criteria provided, single submitter. Criteria: LabCorp Variant Classification Summary - May 2015. Collection method: clinical testing. Allele origin: germline.
Comment: Variant summary: The APC c.3511C>T (p.Arg1171Cys) variant involves the alteration of a conserved nucleotide. 2/4 in silico tools predict a benign outcome for this variant (SNPs&GO not captured due to low reliability index). This variant was found in 38/120476 control chromosomes (1 homozygote), predominantly observed in the Latino subpopulation at a frequency of 0.0014724 (17/11546). This frequency is about 21 times the estimated maximal expected allele frequency of a pathogenic APC variant (0.0000714), suggesting this is likely a benign polymorphism found primarily in the populations of Latino origin. This variant has been reported in an affected individual with no evidence for causality, and authors classified this variant as polymorphism. In addition, multiple clinical diagnostic laboratories/reputable databases classified this variant as likely benign/benign. Taken together, this variant is classified as likely benign.

Color Diagnostics, LLC DBA Color Health
Classification: Likely benign for Hereditary cancer-predisposing syndrome. Last evaluated: 2016-03-21. Review status: criteria provided, single submitter. Criteria: ACMG Guidelines, 2015. Collection method: clinical testing. Allele origin: germline.

Genomic Diagnostic Laboratory, Division of Genomic Diagnostics, Children's Hospital of Philadelphia
Classification: Benign for Adenomatous polyposis coli. Last evaluated: 2015-07-30. Review status: criteria provided, single submitter. Criteria: DGD Variant Analysis Guidelines. Collection method: clinical testing. Allele origin: unknown.

3DMed Clinical Laboratory Inc
Classification: Uncertain significance for Carcinoma of colon. Last evaluated: 2017-07-24. Review status: no assertion criteria provided. Criteria: ACMG Guidelines, 2015. Collection method: clinical testing. Allele origin: germline. Affected: yes. Not counted in ClinVar's aggregate classification.

NM_000038.6(APC):c.3511C>T (p.Arg1171Cys)

Gene: APC (APC regulator of Wnt signaling pathway; plus strand). Cytogenetic location: 5q22.2.
Variant type: single nucleotide variant.
Coding change: c.3511C>T on transcript NM_000038.6 (MANE Select); coding-DNA position 3511, C replaced by T.
Protein change: p.Arg1171Cys; replaces arginine 1171 with cysteine.
Molecular consequence: missense variant.
Genome position (GRCh38, 1-based): chr5:112,839,105, C>T. VCF-style: chr5-112839105-C-T. GRCh37 (hg19) VCF-style: chr5-112174802-C-T.
Other names: p.R1171C:CGT>TGT; c.3511C>T, p.Arg1171Cys (NM_001127510.3, NM_001354895.2); c.3457C>T, p.Arg1153Cys (NM_001127511.3); c.3565C>T, p.Arg1189Cys (NM_001354896.2); c.3541C>T, p.Arg1181Cys (NM_001354897.2); c.3436C>T, p.Arg1146Cys (NM_001354898.2); c.3427C>T, p.Arg1143Cys (NM_001354899.2); c.3388C>T, p.Arg1130Cys (NM_001354900.2); and 6 more; short protein forms R1153C, R1171C, R888C, R1011C, R1143C, R1146C, R1070C, R1112C.
Identifiers: ClinVar variation 133518 (VCV000133518.68), dbSNP rs201830995, ClinGen allele CA008475.